The following is an entry in ClinVar:

ClinVar aggregate classification (germline): Uncertain significance (1 of 4 stars; one submission).

Submission:

Labcorp Genetics (formerly Invitae), Labcorp
Classification: Uncertain significance. Last evaluated: 2024-04-03. Review status: criteria provided, single submitter. Criteria: Invitae Variant Classification Sherloc (09022015). Collection method: clinical testing. Allele origin: germline.
Comment: This sequence change replaces aspartic acid, which is acidic and polar, with histidine, which is basic and polar, at codon 489 of the ERBB4 protein (p.Asp489His). This variant is not present in population databases (gnomAD no frequency). This variant has not been reported in the literature in individuals affected with ERBB4-related conditions. Advanced modeling of protein sequence and biophysical properties (such as structural, functional, and spatial information, amino acid conservation, physicochemical variation, residue mobility, and thermodynamic stability) performed at Invitae indicates that this missense variant is not expected to disrupt ERBB4 protein function with a negative predictive value of 80%. In summary, the available evidence is currently insufficient to determine the role of this variant in disease. Therefore, it has been classified as a Variant of Uncertain Significance.

NM_005235.3(ERBB4):c.1465G>C (p.Asp489His)

Gene: ERBB4 (erb-b2 receptor tyrosine kinase 4; minus strand). Cytogenetic location: 2q34.
Variant type: single nucleotide variant.
Coding change: c.1465G>C on transcript NM_005235.3 (MANE Select); coding-DNA position 1465, G replaced by C.
Protein change: p.Asp489His; replaces aspartic acid 489 with histidine.
Molecular consequence: missense variant.
Genome position (GRCh38, 1-based): chr2:211,701,991, C>G on the plus strand (G>C on the coding strand, the complement: ERBB4 is on the minus strand). VCF-style: chr2-211701991-C-G. GRCh37 (hg19) VCF-style: chr2-212566716-C-G.
Other names: c.1465G>C, p.Asp489His (NM_001042599.2); short protein forms D489H.
Identifiers: ClinVar variation 3648481 (VCV003648481.2).